The following is an entry in ClinVar:

ClinVar aggregate classification (germline): Uncertain significance (1 of 4 stars; one submission).

Conditions:
Cardiovascular phenotype. Identifiers: MedGen CN230736.

Submission:

Ambry Genetics
Classification: Uncertain significance for Cardiovascular phenotype. Last evaluated: 2026-04-18. Review status: criteria provided, single submitter. Criteria: Ambry Variant Classification Scheme 2023. Collection method: clinical testing. Allele origin: germline.
Comment: The p.E197G variant (also known as c.590A>G), located in coding exon 5 of the ABCG5 gene, results from an A to G substitution at nucleotide position 590. The glutamic acid at codon 197 is replaced by glycine, an amino acid with similar properties. This amino acid position is conserved. In addition, this alteration is predicted to be deleterious by in silico analysis. Based on the available evidence, the clinical significance of this variant remains unclear.

NM_022436.3(ABCG5):c.590A>G (p.Glu197Gly)

Genes: ABCG5 (ATP binding cassette subfamily G member 5; minus strand), DYNC2LI1 (dynein cytoplasmic 2 light intermediate chain 1; plus strand). Cytogenetic location: 2p21.
Variant type: single nucleotide variant.
Coding change: c.590A>G on transcript NM_022436.3 (MANE Select); coding-DNA position 590, A replaced by G.
Protein change: p.Glu197Gly; replaces glutamic acid 197 with glycine.
Molecular consequence: missense variant. On other transcripts: 3 prime UTR variant (2).
Genome position (GRCh38, 1-based): chr2:43,828,027, T>C on the plus strand (A>G on the coding strand, the complement: ABCG5 is on the minus strand). VCF-style: chr2-43828027-T-C. GRCh37 (hg19) VCF-style: chr2-44055166-T-C.
Other names: c.*657T>C (NM_001348912.2, NM_001348913.2); short protein forms E197G.
Identifiers: ClinVar variation 4862997 (VCV004862997.1).
Genomic context (GRCh38, chr2:43,828,027, plus strand): 5'-TCTGGGTGCCACTTACTAGGATCCTGGAGCAGCTGGGCTGCGATGGAGACCCGGCGCCGC[T>C]CACCCGTGGAAATGCCCCCCAAGCTGTAGTTGCCAATCAGTCGGTCTGCCACATGGCTCA-3'
Protein context (NP_071881.1, residues 187-207): NYSLGGISTG[Glu197Gly]RRRVSIAAQL